The following is an entry in ClinVar:

ClinVar aggregate classification (germline): Conflicting classifications of pathogenicity. Review status: criteria provided, conflicting classifications (1 of 4 stars). 2 submissions from 2 submitters: Likely pathogenic (1); Uncertain significance (1). Last evaluated 2026-07-01.

Conditions:
Glycogen storage disease, type II (IOPD). Also called: CARDIOMEGALIA GLYCOGENICA DIFFUSA; GLYCOGENOSIS, GENERALIZED, CARDIAC FORM; GSD II; Glycogen storage disease type 2; Acid maltase deficiency disease; Aglucosidase alfa. Identifiers: Orphanet 365, MedGen C0017921, MONDO:0009290, OMIM 232300.

Submissions (2):

Genomenon, Inc
Classification: Uncertain significance for Glycogen storage disease, type II. Last evaluated: 2026-07-01. Review status: criteria provided, single submitter. Criteria: Genomenon Sequence Variant Interpretation Standards - Updated. Collection method: curation. Allele origin: germline. Affected: no.
Comment: GAA p.Pro457His (c.1370C>A) is a missense variant that changes the amino acid at codon 457 from Proline to Histidine. To our knowledge, this variant has not been reported in patients affected with a GAA-related disorder in the published literature. At least one functional study has demonstrated a substantial alteration in protein function relative to the wild-type (PMID:22644586). It is absent or not present at a significant frequency in gnomAD. In silico models predict that this variant is possibly or probably damaging. In conclusion, we classify GAA p.Pro457His (c.1370C>A) as a variant of uncertain significance.

Women's Health and Genetics/Laboratory Corporation of America, LabCorp
Classification: Likely pathogenic for Glycogen storage disease, type II. Last evaluated: 2025-03-26. Review status: criteria provided, single submitter. Criteria: LabCorp Variant Classification Summary - May 2015. Collection method: clinical testing. Allele origin: germline.
Comment: Variant summary: GAA c.1370C>A (p.Pro457His) results in a non-conservative amino acid change in the encoded protein sequence. Five of five in-silico tools predict a damaging effect of the variant on protein function. The variant was absent in 250376 control chromosomes. To our knowledge, no occurrence of c.1370C>A in individuals affected with Glycogen Storage Disease, Type 2 (Pompe Disease) has been reported. At least one publication reports experimental evidence evaluating an impact on protein function. The most pronounced variant effect results in <10% of normal activity in vitro (example, Kroos_2012). No submitters have cited clinical-significance assessments for this variant to ClinVar. Based on the evidence outlined above, the variant was classified as likely pathogenic.

Literature cited by the submitters: PubMed 22644586 (cited by Genomenon, Inc and Women's Health and Genetics/Laboratory Corporation of America, LabCorp).

NM_000152.5(GAA):c.1370C>A (p.Pro457His)

Gene: GAA (alpha glucosidase; plus strand). Cytogenetic location: 17q25.3.
Variant type: single nucleotide variant.
Coding change: c.1370C>A on transcript NM_000152.5 (MANE Select); coding-DNA position 1370, C replaced by A.
Protein change: p.Pro457His; replaces proline 457 with histidine.
Molecular consequence: missense variant.
Genome position (GRCh38, 1-based): chr17:80,109,988, C>A. VCF-style: chr17-80109988-C-A. GRCh37 (hg19) VCF-style: chr17-78083787-C-A.
Other names: c.1370C>A, p.Pro457His (NM_001079803.3, NM_001079804.3, NM_001406741.1 and 1 more transcripts); short protein forms P457H.
Identifiers: ClinVar variation 3895928 (VCV003895928.2).